The following is an entry in ClinVar:

NM_017802.4(DNAAF5):c.1865G>A (p.Arg622His)

Gene: DNAAF5 (dynein axonemal assembly factor 5; plus strand). Cytogenetic location: 7p22.3.
Variant type: single nucleotide variant.
Coding change: c.1865G>A on transcript NM_017802.4 (MANE Select); coding-DNA position 1865, G replaced by A.
Protein change: p.Arg622His; replaces arginine 622 with histidine.
Molecular consequence: missense variant. On other transcripts: non-coding transcript variant (1).
Genome position (GRCh38, 1-based): chr7:770,552, G>A. VCF-style: chr7-770552-G-A. GRCh37 (hg19) VCF-style: chr7-810189-G-A.
Other names: short protein forms R622H.
Identifiers: ClinVar variation 642605 (VCV000642605.10), dbSNP rs779833002, ClinGen allele CA4110955.

ClinVar aggregate classification (germline): Uncertain significance. Review status: criteria provided, multiple submitters, no conflicts (2 of 4 stars). 2 submissions from 2 submitters: Uncertain significance (2). Last evaluated 2024-12-28.

Conditions:
Primary ciliary dyskinesia. Also called: Ciliary dyskinesia. Identifiers: Orphanet 244, MedGen C0008780, MONDO:0016575, HP:0012265.

Allele frequency attached by ClinVar (database versions not stated): gnomAD 0.00001; gnomAD exomes 0.00001 and 0.00003; ExAC 0.00002; TOPMed 0.00002.
gnomAD v4.1: 18 of 1,613,778 alleles (0.0011%); highest among the groups gnomAD compares: Admixed American, 0.0067%; no homozygotes.

Submissions (2):

Ambry Genetics
Classification: Uncertain significance for Primary ciliary dyskinesia. Last evaluated: 2024-12-28. Review status: criteria provided, single submitter. Criteria: Ambry Variant Classification Scheme 2023. Collection method: clinical testing. Allele origin: germline.
Comment: The p.R622H variant (also known as c.1865G>A), located in coding exon 9 of the DNAAF5 gene, results from a G to A substitution at nucleotide position 1865. The arginine at codon 622 is replaced by histidine, an amino acid with highly similar properties. This amino acid position is conserved. In addition, the in silico prediction for this alteration is inconclusive. Based on the available evidence, the clinical significance of this variant remains unclear.

Labcorp Genetics (formerly Invitae), Labcorp
Classification: Uncertain significance for Primary ciliary dyskinesia. Last evaluated: 2022-08-08. Review status: criteria provided, single submitter. Criteria: Invitae Variant Classification Sherloc (09022015). Collection method: clinical testing. Allele origin: germline.
Comment: In summary, the available evidence is currently insufficient to determine the role of this variant in disease. Therefore, it has been classified as a Variant of Uncertain Significance. Algorithms developed to predict the effect of missense changes on protein structure and function are either unavailable or do not agree on the potential impact of this missense change (SIFT: "Tolerated"; PolyPhen-2: "Probably Damaging"; Align-GVGD: "Class C0"). ClinVar contains an entry for this variant (Variation ID: 642605). This variant has not been reported in the literature in individuals affected with DNAAF5-related conditions. This variant is present in population databases (rs779833002, gnomAD 0.009%). This sequence change replaces arginine, which is basic and polar, with histidine, which is basic and polar, at codon 622 of the DNAAF5 protein (p.Arg622His).